The following is an entry in ClinVar:

NM_001754.5(RUNX1):c.1196G>A (p.Ser399Asn)

Gene: RUNX1 (RUNX family transcription factor 1; minus strand). Cytogenetic location: 21q22.12.
Variant type: single nucleotide variant.
Coding change: c.1196G>A on transcript NM_001754.5 (MANE Select); coding-DNA position 1196, G replaced by A.
Protein change: p.Ser399Asn; replaces serine 399 with asparagine.
Molecular consequence: missense variant.
Genome position (GRCh38, 1-based): chr21:34,792,382, C>T on the plus strand (G>A on the coding strand, the complement: RUNX1 is on the minus strand). VCF-style: chr21-34792382-C-T. GRCh37 (hg19) VCF-style: chr21-36164679-C-T.
Other names: NM_001754.5(RUNX1):c.1196G>A; p.Ser399Asn; c.1115G>A, p.Ser372Asn (NM_001001890.3); short protein forms S372N, S399N.
Identifiers: ClinVar variation 964908 (VCV000964908.10), dbSNP rs946348885, ClinGen allele CA410147804.
Genomic context (GRCh38, chr21:34,792,382, plus strand): 5'-ACCATGGAGAACTGGTAGGAGCCGGCCGAGGCGCCGTAGTACAGGTGGTAGGAGGGCGAG[C>T]TGGCTTGGAACGGGCCTCCCTGCGCTTGCGACGAGCCGGGGTAGGGCGGCGGCAGGTAGG-3'
Protein context (NP_001745.2, residues 389-409): SQAQGGPFQA[Ser399Asn]SPSYHLYYGA

ClinVar aggregate classification (germline): Uncertain significance. Review status: reviewed by expert panel (3 of 4 stars). 4 submissions from 4 submitters: Uncertain significance (1). 3 of the submissions do not count toward it. Last evaluated 2024-07-17.

Conditions:
Inborn genetic diseases. Identifiers: MedGen C0950123, MeSH D030342.
Hereditary thrombocytopenia and hematologic cancer predisposition syndrome. Identifiers: Orphanet 71290, MedGen CN281654, MONDO:0011071.
Hereditary thrombocytopenia and hematological cancer predisposition syndrome associated with RUNX1. Also called: Familial Platelet Disorder with Propensity to Acute Myelogenous Leukemia; Familial thrombocytopenia with propensity to acute myelogenous leukemia; PLATELET DISORDER, ASPIRIN-LIKE; RUNX1 Familial Platelet Disorder with Associated Myeloid Malignancies. Identifiers: Orphanet 71290, MedGen C1832388, MeSH C563324, MONDO:0100083, OMIM 601399.

gnomAD v4.1: 25 of 1,566,260 alleles (0.0016%); highest among the groups gnomAD compares: South Asian, 0.0035%; no homozygotes.

Submissions (4):

ClinGen Myeloid Malignancy Variant Curation Expert Panel
Classification: Uncertain significance for Hereditary thrombocytopenia and hematologic cancer predisposition syndrome. Last evaluated: 2024-07-17. Review status: reviewed by expert panel. Criteria: ClinGen MyeloMalig ACMG Specifications v2. Collection method: curation. Allele origin: germline. Inheritance: Autosomal dominant inheritance.
Comment: NM_001754.5(RUNX1):c.1196G>A (p.Ser399Asn) is a missense variant with a REVEL score <0.50 (0.053) (BP4). This variant has been reported in one proband meeting at least one of the RUNX1-phenotypic criteria (MPN/MDS) (PMID: 32241844) (PS4_Supporting). In summary, the clinical significance of this variant is uncertain. ACMG/AMP criteria have been applied as specified by the Myeloid Malignancy Variant Curation Expert Panel for RUNX1: BP4, PS4_Supporting.

Ambry Genetics
Classification: Likely benign for Inborn genetic diseases. Last evaluated: 2025-05-05. Review status: criteria provided, single submitter. Criteria: Ambry Variant Classification Scheme 2023. Collection method: clinical testing. Allele origin: germline. Not counted in ClinVar's aggregate classification.

Labcorp Genetics (formerly Invitae), Labcorp
Classification: Uncertain significance for Hereditary thrombocytopenia and hematological cancer predisposition syndrome associated with RUNX1. Last evaluated: 2023-11-03. Review status: criteria provided, single submitter. Criteria: Invitae Variant Classification Sherloc (09022015). Collection method: clinical testing. Allele origin: germline. Not counted in ClinVar's aggregate classification.
Comment: This sequence change replaces serine, which is neutral and polar, with asparagine, which is neutral and polar, at codon 399 of the RUNX1 protein (p.Ser399Asn). The frequency data for this variant in the population databases is considered unreliable, as metrics indicate poor data quality at this position in the gnomAD database. This variant has not been reported in the literature in individuals affected with RUNX1-related conditions. ClinVar contains an entry for this variant (Variation ID: 964908). Advanced modeling of protein sequence and biophysical properties (such as structural, functional, and spatial information, amino acid conservation, physicochemical variation, residue mobility, and thermodynamic stability) performed at Invitae indicates that this missense variant is not expected to disrupt RUNX1 protein function with a negative predictive value of 80%. In summary, the available evidence is currently insufficient to determine the role of this variant in disease. Therefore, it has been classified as a Variant of Uncertain Significance.

Blueprint Genetics
Classification: Uncertain significance. Last evaluated: 2023-10-24. Review status: criteria provided, single submitter. Criteria: ACMG Guidelines, 2015. Collection method: clinical testing. Allele origin: germline. Not counted in ClinVar's aggregate classification.